The following is an entry in ClinVar:

NM_020831.6(MRTFA):c.2041T>C (p.Phe681Leu)

Gene: MRTFA (myocardin related transcription factor A; minus strand). Cytogenetic location: 22q13.1.
Variant type: single nucleotide variant.
Coding change: c.2041T>C on transcript NM_020831.6 (MANE Select); coding-DNA position 2041, T replaced by C.
Protein change: p.Phe681Leu; replaces phenylalanine 681 with leucine.
Molecular consequence: missense variant.
Genome position (GRCh38, 1-based): chr22:40,418,697, A>G on the plus strand (T>C on the coding strand, the complement: MRTFA is on the minus strand). VCF-style: chr22-40418697-A-G. GRCh37 (hg19) VCF-style: chr22-40814701-A-G.
Other names: c.1741T>C, p.Phe581Leu (NM_001282660.2); c.1891T>C, p.Phe631Leu (NM_001282661.3); c.2041T>C, p.Phe681Leu (NM_001282662.3); c.1846T>C, p.Phe616Leu (NM_001318139.2); short protein forms F581L, F616L, F631L, F681L.
Identifiers: ClinVar variation 1004106 (VCV001004106.6), dbSNP rs753110493, ClinGen allele CA10249461.

ClinVar aggregate classification (germline): Uncertain significance (1 of 4 stars; one submission).

Allele frequency attached by ClinVar (database versions not stated): gnomAD 0.00001 and 0.00005; ExAC 0.00004; gnomAD exomes 0.00005 and 0.00006.
gnomAD v4.1: 68 of 1,213,296 alleles (0.0056%); highest among the groups gnomAD compares: Middle Eastern, 0.11%; 1 homozygote.

Submission:

Labcorp Genetics (formerly Invitae), Labcorp
Classification: Uncertain significance. Last evaluated: 2026-01-06. Review status: criteria provided, single submitter. Criteria: Invitae Variant Classification Sherloc (09022015). Collection method: clinical testing. Allele origin: germline.
Comment: This sequence change replaces phenylalanine, which is neutral and non-polar, with leucine, which is neutral and non-polar, at codon 581 of the MKL1 protein (p.Phe581Leu). This variant is present in population databases (rs753110493, gnomAD 0.03%). This variant has not been reported in the literature in individuals affected with MKL1-related conditions. ClinVar contains an entry for this variant (Variation ID: 1004106). An algorithm developed to predict the effect of missense changes on protein structure and function outputs the following: PolyPhen-2: "Benign". The leucine amino acid residue is found in multiple mammalian species, which suggests that this missense change does not adversely affect protein function. In summary, the available evidence is currently insufficient to determine the role of this variant in disease. Therefore, it has been classified as a Variant of Uncertain Significance.